The following is an entry in ClinVar:

NM_032520.5(GNPTG):c.52+3G>C

Genes: GNPTG (N-acetylglucosamine-1-phosphate transferase subunit gamma; plus strand), LOC130058158 (ATAC-STARR-seq lymphoblastoid silent region 6972; plus strand). Cytogenetic location: 16p13.3.
Variant type: single nucleotide variant.
Coding change: c.52+3G>C on transcript NM_032520.5 (MANE Select); 3 bases into the intron after coding-DNA position 52, G replaced by C.
Molecular consequence: intron variant.
Genome position (GRCh38, 1-based): chr16:1,352,020, G>C. VCF-style: chr16-1352020-G-C. GRCh37 (hg19) VCF-style: chr16-1402021-G-C.
Identifiers: ClinVar variation 836962 (VCV000836962.6), dbSNP rs575933499, ClinGen allele CA276642524.
Genomic context (GRCh38, chr16:1,352,020, plus strand): 5'-GGCGCGATGGCGGCGGGGCTGGCGCGGCTCCTGTTGCTCCTCGGGCTCTCGGCCGGCGGT[G>C]AGTGGCCCGGCCGTCCGCGTCCCCAGGCCCCGCGCGCGCTCTGCACCCCGGCCTCCCCGC-3'

ClinVar aggregate classification (germline): Uncertain significance. Review status: criteria provided, multiple submitters, no conflicts (2 of 4 stars). 3 submissions from 3 submitters: Uncertain significance (2). 1 of the submissions does not count toward it. Last evaluated 2026-03-05.

Conditions:
GNPTG-mucolipidosis. Also called: Mucolipidosis type III gamma; MUCOLIPIDOSIS III, COMPLEMENTATION GROUP C; MUCOLIPIDOSIS III, IRANIAN VARIANT FORM; MUCOLIPIDOSIS III, VARIANT FORM; ML III GAMMA; ML IIIC. Identifiers: Orphanet 423470, Orphanet 577, MedGen C1854896, MONDO:0009652, OMIM 252605.

Allele frequency attached by ClinVar (database versions not stated): gnomAD 0.00006; TOPMed 0.00008.
gnomAD v4.1: 20 of 1,476,498 alleles (0.0014%); highest among the groups gnomAD compares: African/African-American, 0.022%; no homozygotes.

Submissions (3):

Women's Health and Genetics/Laboratory Corporation of America, LabCorp
Classification: Uncertain significance. Last evaluated: 2026-03-05. Review status: criteria provided, single submitter. Criteria: LabCorp Variant Classification Summary - May 2015. Collection method: clinical testing. Allele origin: germline.

Labcorp Genetics (formerly Invitae), Labcorp
Classification: Uncertain significance. Last evaluated: 2022-06-15. Review status: criteria provided, single submitter. Criteria: Invitae Variant Classification Sherloc (09022015). Collection method: clinical testing. Allele origin: germline.
Comment: This sequence change falls in intron 1 of the GNPTG gene. It does not directly change the encoded amino acid sequence of the GNPTG protein. It affects a nucleotide within the consensus splice site. This variant is present in population databases (no rsID available, gnomAD 0.01%). This variant has not been reported in the literature in individuals affected with GNPTG-related conditions. ClinVar contains an entry for this variant (Variation ID: 836962). Variants that disrupt the consensus splice site are a relatively common cause of aberrant splicing (PMID: 17576681, 9536098). Algorithms developed to predict the effect of sequence changes on RNA splicing suggest that this variant may disrupt the consensus splice site. In summary, the available evidence is currently insufficient to determine the role of this variant in disease. Therefore, it has been classified as a Variant of Uncertain Significance.

Natera, Inc.
Classification: Uncertain significance for Mucolipidosis III gamma. Last evaluated: 2021-01-13. Review status: no assertion criteria provided. Collection method: clinical testing. Allele origin: germline. Not counted in ClinVar's aggregate classification.

Literature cited by the submitters: PubMed 17576681 (cited by Labcorp Genetics (formerly Invitae), Labcorp); PubMed 9536098 (cited by Labcorp Genetics (formerly Invitae), Labcorp).